The following is an entry in ClinVar:

NM_001378454.1(ALMS1):c.1559T>A (p.Leu520Ter)

Gene: ALMS1 (ALMS1 centrosome and basal body associated protein; plus strand). Cytogenetic location: 2p13.1.
Variant type: single nucleotide variant.
Coding change: c.1559T>A on transcript NM_001378454.1 (MANE Select); coding-DNA position 1559, T replaced by A.
Protein change: p.Leu520Ter; replaces leucine 520 with a stop codon.
Molecular consequence: nonsense.
Genome position (GRCh38, 1-based): chr2:73,448,086, T>A. VCF-style: chr2-73448086-T-A. GRCh37 (hg19) VCF-style: chr2-73675216-T-A.
Other names: c.1562T>A, p.Leu521Ter (NM_015120.4); short protein forms L520*, L521*.
Identifiers: ClinVar variation 4057708 (VCV004057708.2).

ClinVar aggregate classification (germline): Likely pathogenic (1 of 4 stars; one submission).

Conditions:
Alstrom syndrome (ALMS). Identifiers: Orphanet 64, MedGen C0268425, MONDO:0008763, OMIM 203800.

Submission:

Natera, Inc.
Classification: Likely pathogenic for Alstrom syndrome. Last evaluated: 2025-05-21. Review status: criteria provided, single submitter. Criteria: Natera Variant Classification Schema (03/2026). Collection method: clinical testing. Allele origin: germline.
Comment: The c.1562T>A variant in ALMS1 is a nonsense variant predicted to introduce a stop codon at amino acid 521. This variant is expected to result in nonsense mediated decay, truncation, or a dysfunctional protein product. This variant is rare in the general population with a frequency below the threshold expected for the associated phenotype(s). Given the available evidence, this variant is classified as Likely Pathogenic.